The following is an entry in ClinVar:

NM_199355.4(ADAMTS18):c.316C>T (p.Gln106Ter)

Gene: ADAMTS18 (ADAM metallopeptidase with thrombospondin type 1 motif 18; minus strand). Cytogenetic location: 16q23.1.
Variant type: single nucleotide variant.
Coding change: c.316C>T on transcript NM_199355.4 (MANE Select); coding-DNA position 316, C replaced by T.
Protein change: p.Gln106Ter; replaces glutamine 106 with a stop codon.
Molecular consequence: nonsense. On other transcripts: 5 prime UTR variant (1).
Genome position (GRCh38, 1-based): chr16:77,431,474, G>A on the plus strand (C>T on the coding strand, the complement: ADAMTS18 is on the minus strand). VCF-style: chr16-77431474-G-A. GRCh37 (hg19) VCF-style: chr16-77465371-G-A.
Other names: c.-205C>T (NM_001326358.2); short protein forms Q106*.
Identifiers: ClinVar variation 4712111 (VCV004712111.1).
Genomic context (GRCh38, chr16:77,431,474, plus strand): 5'-CCTGGACAATAAAGTGACTGCTCAAAATCGCCGAGGGCTTAAGTTCTAAGTGCAGTTCCT[G>A]TCCAAATGCTGAAAATCGGTAGTGCAGGGAGCTTCTGGCATTCTGCGCCGATCGCTTTTT-3'

ClinVar aggregate classification (germline): Pathogenic (1 of 4 stars; one submission).

Submission:

Labcorp Genetics (formerly Invitae), Labcorp
Classification: Pathogenic. Last evaluated: 2025-01-31. Review status: criteria provided, single submitter. Criteria: Invitae Variant Classification Sherloc (09022015). Collection method: clinical testing. Allele origin: germline.
Comment: This sequence change creates a premature translational stop signal (p.Gln106*) in the ADAMTS18 gene. It is expected to result in an absent or disrupted protein product. Loss-of-function variants in ADAMTS18 are known to be pathogenic (PMID: 23818446, 24874986). This variant is not present in population databases (gnomAD no frequency). This variant has not been reported in the literature in individuals affected with ADAMTS18-related conditions. For these reasons, this variant has been classified as Pathogenic.

Literature cited by the submitters: PubMed 23818446; PubMed 24874986.